The following is an entry in ClinVar:

ClinVar aggregate classification (germline): Uncertain significance (1 of 4 stars; one submission).

Conditions:
NRP2-related disorder. Also called: NRP2-related condition.

Submission:

PreventionGenetics, part of Exact Sciences
Classification: Uncertain significance for NRP2-related condition. Last evaluated: 2026-09-02. Review status: criteria provided, single submitter. Criteria: ACMG Guidelines, 2015. Collection method: clinical testing. Allele origin: germline.
Comment: The NRP2 c.1311G>A variant is predicted to result in the amino acid substitution p.Met437Ile. To our knowledge, this variant has not been reported in the literature or in a large population database (gnomAD), indicating this variant is rare. At this time, the clinical significance of this variant is uncertain due to the absence of conclusive functional and genetic evidence.

NM_003872.3(NRP2):c.1311G>A (p.Met437Ile)

Gene: NRP2 (neuropilin 2; plus strand). Cytogenetic location: 2q33.3.
Variant type: single nucleotide variant.
Coding change: c.1311G>A on transcript NM_003872.3 (MANE Select); coding-DNA position 1311, G replaced by A.
Protein change: p.Met437Ile; replaces methionine 437 with isoleucine.
Molecular consequence: missense variant.
Genome position (GRCh38, 1-based): chr2:205,743,222, G>A. VCF-style: chr2-205743222-G-A. GRCh37 (hg19) VCF-style: chr2-206607946-G-A.
Other names: c.1311G>A, p.Met437Ile (NM_018534.4, NM_201264.2, NM_201266.2 and 2 more transcripts); short protein forms M437I.
Identifiers: ClinVar variation 4991651 (VCV004991651.1).